The following is an entry in ClinVar:

NM_001006658.3(CR2):c.764G>A (p.Arg255Gln)

Gene: CR2 (complement C3d receptor 2; plus strand). Cytogenetic location: 1q32.2.
Variant type: single nucleotide variant.
Coding change: c.764G>A on transcript NM_001006658.3 (MANE Select); coding-DNA position 764, G replaced by A.
Protein change: p.Arg255Gln; replaces arginine 255 with glutamine.
Molecular consequence: missense variant.
Genome position (GRCh38, 1-based): chr1:207,469,179, G>A. VCF-style: chr1-207469179-G-A. GRCh37 (hg19) VCF-style: chr1-207642524-G-A.
Other names: c.764G>A, p.Arg255Gln (NM_001877.5); short protein forms R255Q.
Identifiers: ClinVar variation 2064074 (VCV002064074.3), dbSNP rs1448748693, ClinGen allele CA344527165.
Genomic context (GRCh38, chr1:207,469,179, plus strand): 5'-ATAGTTCTGAATGACAACCTTCTGTCTCCAGGTATCGACTGCAAGGCCCACCTTCTAGTC[G>A]GTGTGTAATTGCTGGACAGGGAGTTGCTTGGACCAAAATGCCAGTATGTGAAGGTAGGCT-3'
Protein context (NP_001006659.1, residues 245-265): GYRLQGPPSS[Arg255Gln]CVIAGQGVAW

ClinVar aggregate classification (germline): Uncertain significance (1 of 4 stars; one submission).

Conditions:
Immunodeficiency, common variable, 7. Identifiers: Orphanet 1572, Orphanet 696894, MedGen C3542922, MONDO:0013862, OMIM 614699.

Allele frequency attached by ClinVar (database versions not stated): gnomAD 0.00001; TOPMed 0.00001; gnomAD exomes 0.00002.
gnomAD v4.1: 23 of 1,613,776 alleles (0.0014%); highest among the groups gnomAD compares: Admixed American, 0.005%; no homozygotes.

Submission:

Labcorp Genetics (formerly Invitae), Labcorp
Classification: Uncertain significance for Immunodeficiency, common variable, 7. Last evaluated: 2021-12-29. Review status: criteria provided, single submitter. Criteria: Invitae Variant Classification Sherloc (09022015). Collection method: clinical testing. Allele origin: germline.
Comment: In summary, the available evidence is currently insufficient to determine the role of this variant in disease. Therefore, it has been classified as a Variant of Uncertain Significance. Algorithms developed to predict the effect of missense changes on protein structure and function output the following: SIFT: "Tolerated"; PolyPhen-2: "Benign"; Align-GVGD: "Class C0". The glutamine amino acid residue is found in multiple mammalian species, which suggests that this missense change does not adversely affect protein function. This variant has not been reported in the literature in individuals affected with CR2-related conditions. This variant is present in population databases (no rsID available, gnomAD 0.006%). This sequence change replaces arginine, which is basic and polar, with glutamine, which is neutral and polar, at codon 255 of the CR2 protein (p.Arg255Gln).